The following is an entry in ClinVar:

NM_000069.3(CACNA1S):c.416T>C (p.Leu139Pro)

Gene: CACNA1S (calcium voltage-gated channel subunit alpha1 S; minus strand). Cytogenetic location: 1q32.1.
Variant type: single nucleotide variant.
Coding change: c.416T>C on transcript NM_000069.3 (MANE Select); coding-DNA position 416, T replaced by C.
Protein change: p.Leu139Pro; replaces leucine 139 with proline.
Molecular consequence: missense variant.
Genome position (GRCh38, 1-based): chr1:201,092,097, A>G on the plus strand (T>C on the coding strand, the complement: CACNA1S is on the minus strand). VCF-style: chr1-201092097-A-G. GRCh37 (hg19) VCF-style: chr1-201061225-A-G.
Other names: short protein forms L139P.
Identifiers: ClinVar variation 3070297 (VCV003070297.1), dbSNP rs2464626166, ClinGen allele CA344142665.

ClinVar aggregate classification (germline): Uncertain significance (1 of 4 stars; one submission).

Conditions:
Malignant hyperthermia, susceptibility to, 5 (MHS5). Also called: CACNA1S-Related Malignant Hyperthermia Susceptibility. Identifiers: Orphanet 423, MedGen C1866077, MONDO:0011163, OMIM 601887.

Submission:

All of Us Research Program, National Institutes of Health
Classification: Uncertain significance for Malignant hyperthermia, susceptibility to, 5. Last evaluated: 2023-04-03. Review status: criteria provided, single submitter. Criteria: ACMG Guidelines, 2015. Collection method: clinical testing. Allele origin: germline. Inheritance: Autosomal dominant inheritance. Observed: 1 variant allele, 1 heterozygote.
Comment: This missense variant replaces leucine with proline at codon 139 of the CACNA1S protein. Computational prediction suggests that this variant may have deleterious impact on protein structure and function (internally defined REVEL score threshold >= 0.7, PMID: 27666373). To our knowledge, functional studies have not been reported for this variant. This variant has not been reported in individuals affected with CACNA1S-related disorders in the literature. This variant has not been identified in the general population by the Genome Aggregation Database (gnomAD). The available evidence is insufficient to determine the role of this variant in disease conclusively. Therefore, this variant is classified as a Variant of Uncertain Significance.

This study involves interpretation of variants in research participants for the purpose of population health screening. Participant phenotype was not available at the time of variant classification. Additional details can be found in publication PMID: 35346344, PMCID: PMC8962531